The following is an entry in ClinVar:

ClinVar aggregate classification (germline): Uncertain significance. Review status: criteria provided, multiple submitters, no conflicts (2 of 4 stars). 2 submissions from 2 submitters: Uncertain significance (2). Last evaluated 2021-07-26.

Conditions:
Xeroderma pigmentosum, group C (XPC). Also called: XPC-Related Xeroderma Pigmentosum; Xeroderma pigmentosum, complementation group C; XERODERMA PIGMENTOSUM III; XP, GROUP C. Identifiers: Orphanet 910, MedGen C2752147, MONDO:0010211, OMIM 278720.
Xeroderma pigmentosum (XP). Identifiers: Orphanet 910, MedGen C0043346, MONDO:0019600.

Allele frequency attached by ClinVar (database versions not stated): gnomAD 0.00001; gnomAD exomes 0.00001 and 0.00002; ExAC 0.00002.
gnomAD v4.1: 7 of 1,613,902 alleles (0.00043%); highest among the groups gnomAD compares: East Asian, 0.0045%; no homozygotes.

Submissions (2):

Sema4
Classification: Uncertain significance for Xeroderma pigmentosum. Last evaluated: 2021-07-26. Review status: criteria provided, single submitter. Criteria: Sema4 Curation Guidelines. Collection method: curation. Allele origin: germline.
Comment: The XPC c.1913T>C (p.I638T) variant has not been reported in the literature to our knowledge. It was observed in 2/19532 chromosomes of the East Asian subpopulation in the large and broad cohorts of the Genome Aggregation Database (PMID: 32461654). The variant has been reported in ClinVar (Variation ID 902531). Functional studies have not been performed and in silico tool predictions of the variants effect on protein function are inconclusive. The evidence is insufficient to meet ACMG/AMP criteria for classifying the variant as benign or pathogenic. Thus, the clinical significance of this variant is currently uncertain.

Illumina Laboratory Services, Illumina
Classification: Uncertain significance for Xeroderma pigmentosum, group C. Last evaluated: 2018-01-12. Review status: criteria provided, single submitter. Criteria: ICSL Variant Classification Criteria 13 December 2019. Collection method: clinical testing. Allele origin: germline.

NM_004628.5(XPC):c.1913T>C (p.Ile638Thr)

Gene: XPC (XPC complex subunit, DNA damage recognition and repair factor; minus strand). Cytogenetic location: 3p25.1.
Variant type: single nucleotide variant.
Coding change: c.1913T>C on transcript NM_004628.5 (MANE Select); coding-DNA position 1913, T replaced by C.
Protein change: p.Ile638Thr; replaces isoleucine 638 with threonine.
Molecular consequence: missense variant. On other transcripts: intron variant (1).
Genome position (GRCh38, 1-based): chr3:14,156,455, A>G on the plus strand (T>C on the coding strand, the complement: XPC is on the minus strand). VCF-style: chr3-14156455-A-G. GRCh37 (hg19) VCF-style: chr3-14197955-A-G.
Other names: c.1334T>C, p.Ile445Thr (NM_001354726.2); c.1895T>C, p.Ile632Thr (NM_001354729.2); c.1667T>C, p.Ile556Thr (NM_001354730.2); c.1872+1556T>C (NM_001354727.2); short protein forms I445T, I556T, I638T, I632T.
Identifiers: ClinVar variation 902531 (VCV000902531.5), dbSNP rs752133677, ClinGen allele CA2267325.